The following is an entry in ClinVar:

ClinVar aggregate classification (germline): Uncertain significance (1 of 4 stars; one submission).

Conditions:
Vici syndrome (VICIS). Identifiers: Orphanet 1493, MedGen C1855772, MONDO:0009452, OMIM 242840.

gnomAD v4.1: 18 of 1,614,128 alleles (0.0011%); highest among the groups gnomAD compares: African/African-American, 0.0093%; no homozygotes.

Submission:

Dasa
Classification: Uncertain significance for Vici syndrome. Last evaluated: 2025-07-15. Review status: criteria provided, single submitter. Criteria: DASA Assertion Criteria. Collection method: clinical testing. Allele origin: germline.
Comment: NM_020964.3(EPG5):c.6958C>T (p.Arg2320Cys) is a missense variant that results in the substitution of arginine with cysteine. This variant is rare in population databases. Computational prediction algorithms are consistent with a benign effect. The currently available literature and clinical evidence are not sufficient to establish a definitive association between this variant and the reported condition. Therefore, this variant is classified as a variant of uncertain significance.

NM_020964.3(EPG5):c.6958C>T (p.Arg2320Cys)

Gene: EPG5 (ectopic P-granules 5 autophagy tethering factor; minus strand). Cytogenetic location: 18q12.3.
Variant type: single nucleotide variant.
Coding change: c.6958C>T on transcript NM_020964.3 (MANE Select); coding-DNA position 6958, C replaced by T.
Protein change: p.Arg2320Cys; replaces arginine 2320 with cysteine.
Molecular consequence: missense variant.
Genome position (GRCh38, 1-based): chr18:45,860,155, G>A on the plus strand (C>T on the coding strand, the complement: EPG5 is on the minus strand). VCF-style: chr18-45860155-G-A. GRCh37 (hg19) VCF-style: chr18-43440120-G-A.
Other names: c.6958C>T, p.Arg2320Cys (NM_001410858.1); c.6955C>T, p.Arg2319Cys (NM_001410859.1); short protein forms R2319C, R2320C.
Identifiers: ClinVar variation 4883496 (VCV004883496.2).